The following is an entry in ClinVar:

ClinVar aggregate classification (germline): Pathogenic (1 of 4 stars; one submission).

Conditions:
DMD-related disorder. Also called: DMD-related condition.

Submission:

PreventionGenetics, part of Exact Sciences
Classification: Pathogenic for DMD-related condition. Last evaluated: 2024-12-08. Review status: criteria provided, single submitter. Criteria: ACMG Guidelines, 2015. Collection method: clinical testing. Allele origin: germline.
Comment: The DMD c.6651_6654dupAAGA variant is predicted to result in a frameshift and premature protein termination (p.Asp2219Lysfs*5). This variant has been reported in an individual with Duchenne muscular dystrophy (Table S1, Nallamilli et al. 2021. PubMed ID: 33644936). This variant has not been reported in a large population database (gnomAD), indicating this variant is rare. Frameshift variants in DMD are expected to be pathogenic. This variant is interpreted as pathogenic.

NM_004006.3(DMD):c.6651_6654dup (p.Asp2219fs)

Gene: DMD (dystrophin; minus strand). Cytogenetic location: Xp21.1.
Variant type: Duplication.
Coding change: c.6651_6654dup on transcript NM_004006.3 (MANE Select); coding-DNA positions 6651 to 6654, 4 bases duplicated (AAGA; older notation c.6651_6654dupAAGA).
Protein change: p.Asp2219fs; shifts the reading frame from aspartic acid 2219.
Molecular consequence: frameshift variant. On other transcripts: 5 prime UTR variant (5).
Genome position (GRCh38, 1-based): chrX:31,932,188-31,932,191, TCTT duplicated on the plus strand (AAGA on the coding strand, the reverse complement: DMD is on the minus strand); duplicating any 4 consecutive bases within chrX:31,932,188-31,932,192 gives the same sequence; the c. name uses the placement nearest the transcript's 3' end. VCF-style (leftmost placement, unchanged base first): chrX-31932187-C-CTCTT. GRCh37 (hg19) VCF-style: chrX-31950304-C-CTCTT.
Other names: c.6651_6654dupAAGA (NM_004006.2); c.6627_6630dup, p.Asp2211fs (NM_000109.4); c.6639_6642dup, p.Asp2215fs (NM_004009.3); c.6282_6285dup, p.Asp2096fs (NM_004010.3); c.2628_2631dup, p.Asp878fs (NM_004011.4); c.2619_2622dup, p.Asp875fs (NM_004012.4); c.-730_-727dup (NM_004013.3, NM_004020.4, NM_004021.3 and 2 more transcripts); short protein forms D2096fs, D2211fs, D878fs, D875fs, D2215fs, D2219fs.
Identifiers: ClinVar variation 4997510 (VCV004997510.1).